The following is an entry in ClinVar:

NM_000038.6(APC):c.2928_2929del (p.Gly977fs)

Gene: APC (APC regulator of Wnt signaling pathway; plus strand). Cytogenetic location: 5q22.2.
Variant type: Microsatellite.
Coding change: c.2928_2929del on transcript NM_000038.6 (MANE Select); coding-DNA positions 2928 to 2929, 2 bases deleted (AG; older notation c.2928_2929delAG).
Protein change: p.Gly977fs; shifts the reading frame from glycine 977.
Molecular consequence: frameshift variant.
Genome position (GRCh38, 1-based): chr5:112,838,522-112,838,523, AG deleted; deleting any 2 consecutive bases within chr5:112,838,520-112,838,523 gives the same sequence; the c. name uses the placement nearest the transcript's 3' end. VCF-style (leftmost placement, unchanged base first): chr5-112838519-AAG-A. GRCh37 (hg19) VCF-style: chr5-112174216-AAG-A.
Other names: c.2958_2959del, p.Gly987fs (NM_001354897.2); c.2853_2854del, p.Gly952fs (NM_001354898.2); c.2844_2845del, p.Gly949fs (NM_001354899.2); c.2805_2806del, p.Gly936fs (NM_001354900.2); c.2751_2752del, p.Gly918fs (NM_001354901.2); c.2655_2656del, p.Gly886fs (NM_001354902.2); c.2625_2626del, p.Gly876fs (NM_001354903.2); c.2550_2551del, p.Gly851fs (NM_001354904.2); and 5 more; short protein forms G694fs, G817fs, G851fs, G876fs, G886fs, G918fs, G936fs, G949fs.
Identifiers: ClinVar variation 1050316 (VCV001050316.14), dbSNP rs2149880355, ClinGen allele CA645562873.

ClinVar aggregate classification (germline): Pathogenic. Review status: criteria provided, multiple submitters, no conflicts (2 of 4 stars). 4 submissions from 4 submitters: Pathogenic (3). 1 of the submissions does not count toward it. Last evaluated 2026-09-30.

Conditions:
Familial adenomatous polyposis 1 (FAP1). Also called: FAMILIAL ADENOMATOUS POLYPOSIS 1, ATTENUATED; POLYPOSIS, ADENOMATOUS INTESTINAL. Identifiers: MedGen C2713442, MONDO:0021056, OMIM 175100. Disease mechanism: loss of function.
Hereditary cancer-predisposing syndrome. Also called: Tumor predisposition; Hereditary neoplastic syndrome; Neoplastic Syndromes, Hereditary; Hereditary Cancer Syndrome. Identifiers: Orphanet 140162, MedGen C0027672, MeSH D009386, MONDO:0015356.
Carcinoma of colon (CRC). Also called: Colonic carcinoma; Colon carcinoma. Identifiers: MedGen C0699790, MONDO:0002032.

Submissions (4):

Myriad Genetics, Inc.
Classification: Pathogenic for Familial adenomatous polyposis 1. Last evaluated: 2026-09-30. Review status: criteria provided, single submitter. Criteria: Myriad Autosomal Dominant, Autosomal Recessive and X-Linked Classification Criteria (2023). Collection method: clinical testing. Allele origin: unknown.
Comment: This variant is considered pathogenic. This variant creates a frameshift predicted to result in premature protein truncation.

Ambry Genetics
Classification: Pathogenic for Hereditary cancer-predisposing syndrome. Last evaluated: 2020-03-11. Review status: criteria provided, single submitter. Criteria: Ambry Variant Classification Scheme 2023. Collection method: clinical testing. Allele origin: germline.
Comment: The c.2928_2929delAG pathogenic mutation, located in coding exon 15 of the APC gene, results from a deletion of two nucleotides at nucleotide positions 2928 to 2929, causing a translational frameshift with a predicted alternate stop codon (p.G977Sfs*7). This alteration has been reported in several patients affected with familial adenomatous polyposis (Cetta F et al. J. Clin. Endocrinol. Metab. 2000 Jan;85:286-92; Moisio AL et al. Gut. 2002 Jun;50:845-50; Kim DW et al. Hum. Mutat. 2005 Sep;26:281; Lagarde A et al. J. Med. Genet. 2010 Oct;47:721-2). Of note, this alteration is also designated as c.2927_2928delGA in the published literature. In addition to the clinical data presented in the literature, this alteration is expected to result in loss of function by premature protein truncation. As such, this alteration is interpreted as a disease-causing mutation.

Labcorp Genetics (formerly Invitae), Labcorp
Classification: Pathogenic for Familial adenomatous polyposis 1. Last evaluated: 2014-09-09. Review status: criteria provided, single submitter. Criteria: Invitae Variant Classification Sherloc (09022015). Collection method: clinical testing. Allele origin: germline.
Comment: For these reasons, this sequence change has been classified as Pathogenic. This sequence change has been reported in patients affected with FAP (PMID: 12010888, 16088911, 10634400) and it is not present in population databases. This sequence change results in the deletion of two nucleotides in exon 16 of the APC mRNA (c.2928_2929delAG). It results in a frameshift at codon 977 which leads to a premature translational stop signal 6 codons downstream (p.Gly977Serfs*7). It is expected to result in an absent or disrupted protein product.

Department of Pathology and Laboratory Medicine, Sinai Health System
Classification: Likely pathogenic for Carcinoma of colon. Review status: no assertion criteria provided. Collection method: clinical testing. Allele origin: unknown. Affected: yes. Observed: 1 variant allele. Study: The Canadian Open Genetics Repository (COGR). Not counted in ClinVar's aggregate classification.
Comment: The APC p.Gly977Serfs*7 variant was identified in 3 of 1864 proband chromosomes (frequency: 0.002) from individuals or families with familial adenomatous polyposis (Kim 2005, Lagarde 2010, Moisio 2002). The variant was also identified in Cosmic (1x in Large intestine), LOVD 3.0 (3x), UMD-LSDB (3x as causal), and in Insight Hereditary Tumors (3x) databases. The variant was not identified in dbSNP, ClinVar, Clinvitae, COGR, or Zhejiang University databases. The variant was not identified in the following control databases: the Exome Aggregation Consortium (August 8th 2016), or the Genome Aggregation Database (Feb 27, 2017). The c.2928_2929del variant is predicted to cause a frameshift, which alters the protein's amino acid sequence beginning at codon 977 and leads to a premature stop codon at position 983. This alteration is then predicted to result in a truncated or absent protein and loss of function. Loss of function variants of the APC gene are an established mechanism of disease in APC associated cancers and is the type of variant expected to cause the disorder. In summary, based on the above information the clinical significance of this variant cannot be determined with certainty at this time although we would lean towards a more pathogenic role for this variant. This variant is classified as likely pathogenic.

Literature cited by the submitters: PubMed 10634400 (cited by Ambry Genetics and Labcorp Genetics (formerly Invitae), Labcorp); PubMed 12010888 (cited by Ambry Genetics and Labcorp Genetics (formerly Invitae), Labcorp); PubMed 16088911 (cited by Ambry Genetics and Labcorp Genetics (formerly Invitae), Labcorp); PubMed 20685668 (cited by Ambry Genetics).